The following is an entry in ClinVar:

ClinVar aggregate classification (germline): Uncertain significance. Review status: reviewed by expert panel (3 of 4 stars). 6 submissions from 6 submitters: Uncertain significance (1). 5 of the submissions do not count toward it. Last evaluated 2023-09-07.

Conditions:
Platelet-type bleeding disorder 16 (BDPLT16). Also called: Bleeding disorder, platelet-type, 16, autosomal dominant. Identifiers: Orphanet 140957, MedGen C5442010, MONDO:0008552, OMIM 187800.
Glanzmann thrombasthenia. Also called: BLEEDING DISORDER, PLATELET-TYPE, 2; THROMBASTHENIA OF GLANZMANN AND NAEGELI; PLATELET GLYCOPROTEIN IIb-IIIa DEFICIENCY; Thrombasthenia; Glanzmann's thrombasthenia. Identifiers: Orphanet 849, MedGen C0040015, MONDO:0100326.
Thrombocytopenia. Identifiers: MedGen C0040034, MeSH D013921, MONDO:0002049, HP:0001873.

Allele frequency attached by ClinVar (database versions not stated): gnomAD exomes below 0.00001 and 0.00001; TOPMed below 0.00001.
gnomAD v4.1: 10 of 1,614,002 alleles (0.00062%); highest among the groups gnomAD compares: Non-Finnish European, 0.00085%; no homozygotes.

Submissions (6):

ClinGen Platelet Disorders Variant Curation Expert Panel, ClinGen
Classification: Uncertain significance for Glanzmann thrombasthenia. Last evaluated: 2023-09-07. Review status: reviewed by expert panel. Criteria: ClinGen Platelet ACMG Specifications v2-1. Collection method: curation. Allele origin: germline. Inheritance: Autosomal recessive inheritance.
Comment: The NM_000419.5:c.3077G>A variant results in the Arg1026Gln missense change. It is absent in population databases, including gnomADv2.1.1 (PM2_supporting), and is predicted damaging by in silico tools (REVEL score of 0.904; PP3). One compound heterozygous individual with mild bleeding, thrombocytopenia and platelet anisotrpy is reported in the literature several times (PMID: 25728920) with confirmation of c.1440-13_1440-1del (classified Pathogenic by the PD VCEP; PM3) in trans. The variant results in reduced expression of the αIIbβ3 complex on platelet surface. The expressed αIIbβ3 was not constitutively active and were able to bind fibrinogen only upon activation by anti-LIBS antibody. In summary, this variant meets the criteria to be classified as uncertain significance for autosomal recessive Glanzmann Thrombasthenia based on the ACMG/AMP criteria applied, as specified by the ClinGen PD VCEP: PM2_Supporting, PM3, PP3 (PD VCEP specifications version 2.1).

Labcorp Genetics (formerly Invitae), Labcorp
Classification: Likely pathogenic for Glanzmann thrombasthenia. Last evaluated: 2025-08-24. Review status: criteria provided, single submitter. Criteria: Invitae Variant Classification Sherloc (09022015). Collection method: clinical testing. Allele origin: germline. Not counted in ClinVar's aggregate classification.
Comment: This sequence change replaces arginine, which is basic and polar, with glutamine, which is neutral and polar, at codon 1026 of the ITGA2B protein (p.Arg1026Gln). This variant is present in population databases (no rsID available, gnomAD 0.0009%). This missense change has been observed in individual(s) with autosomal recessive Glanzmann thrombasthenia and/or ITGA2B-related conditions (PMID: 9215749, 22102273, 25728920, 31064749, 33276370). In at least one individual the data is consistent with being in trans (on the opposite chromosome) from a pathogenic variant. This variant is also known as R995Q. ClinVar contains an entry for this variant (Variation ID: 50232). Invitae Evidence Modeling of protein sequence and biophysical properties (such as structural, functional, and spatial information, amino acid conservation, physicochemical variation, residue mobility, and thermodynamic stability) indicates that this missense variant is expected to disrupt ITGA2B protein function with a positive predictive value of 95%. Experimental studies have shown that this missense change affects ITGA2B function (PMID: 9834222, 22102273). In summary, the currently available evidence indicates that the variant is pathogenic, but additional data are needed to prove that conclusively. Therefore, this variant has been classified as Likely Pathogenic.

Women's Health and Genetics/Laboratory Corporation of America, LabCorp
Classification: Uncertain significance. Last evaluated: 2022-04-07. Review status: criteria provided, single submitter. Criteria: LabCorp Variant Classification Summary - May 2015. Collection method: clinical testing. Allele origin: germline. Not counted in ClinVar's aggregate classification.
Comment: Variant summary: ITGA2B c.3077G>A (p.Arg1026Gln, also known as p.Arg995Gln in literatures) results in a conservative amino acid change located in the cytoplasmic domain (Peyruchaud_1998) of the encoded protein sequence. Four of five in-silico tools predict a damaging effect of the variant on protein function. Additionally, multiple structural studies showed alphaIIb R995/beta D732 salt bridge confers stability on the inactive state of integrin, supporting this residue is important for protein function (Ghevaert_2007, Yang_2009, Jayo_2010). The variant allele was found at a frequency of 4e-06 in 251278 control chromosomes (gnomAD). The available data on variant occurrences in the general population are insufficient to allow any conclusion about variant significance. c.3077G>A has been reported in the literature in individuals affected with Glanzmann Thrombasthenia-Like Syndrome (Nurden_2015, French_1997, Peyruchaud_1998, Morais_2020). These data do not allow any conclusion about variant significance. At least one functional study reports this variant decreases surface alphaIIb -beta3 expression by approximately 50% of WT in cells and the mutated complex was not in a high activation state but remained functional in that activation could be induced by the anti-LIBS6 antibody (Peyruchaud_1998). Two ClinVar submitters (evaluation after 2014), including one expert panel (ClinGen Platelet Disorders Variant Curation Expert Panel,ClinGen), cite the variant as uncertain significance. Based on the evidence outlined above, the variant was classified as uncertain significance.

NIHR Bioresource Rare Diseases, University of Cambridge
Classification: Uncertain significance for Thrombocytopenia. Last evaluated: 2019-02-01. Review status: criteria provided, single submitter. Criteria: ACMG Guidelines, 2015. Collection method: research. Allele origin: unknown. Affected: yes. Observed: 1 heterozygote. Study: ThromboGenomics. Not counted in ClinVar's aggregate classification.

ISTH-SSC Genomics in Thrombosis and Hemostasis, KU Leuven, Center for Molecular and Vascular Biology
Classification: Likely pathogenic for Platelet-type bleeding disorder 16. Review status: criteria provided, single submitter. Criteria: ACMG Guidelines, 2015. Collection method: clinical testing. Allele origin: germline. Affected: yes. Observed: 1 heterozygote. Not counted in ClinVar's aggregate classification.
Comment: Submitted to the GoldVariant database by Dr Marie-Christine Morel-Kopp; Northern Blood Research Centre, Sydney, Australia

OMIM
Classification: Pathogenic for BLEEDING DISORDER, PLATELET-TYPE, 16. Last evaluated: 2011-09-01. Review status: no assertion criteria provided. Collection method: literature only. Allele origin: germline. Not counted in ClinVar's aggregate classification.

Literature cited by the submitters: PubMed 9215749 (cited by Labcorp Genetics (formerly Invitae), Labcorp and Women's Health and Genetics/Laboratory Corporation of America, LabCorp); PubMed 22102273 (cited by Labcorp Genetics (formerly Invitae), Labcorp and OMIM); PubMed 25728920 (cited by Labcorp Genetics (formerly Invitae), Labcorp and Women's Health and Genetics/Laboratory Corporation of America, LabCorp); PubMed 31064749 (cited by Labcorp Genetics (formerly Invitae), Labcorp and NIHR Bioresource Rare Diseases, University of Cambridge); PubMed 33276370 (cited by Labcorp Genetics (formerly Invitae), Labcorp and Women's Health and Genetics/Laboratory Corporation of America, LabCorp); PubMed 9834222 (cited by 3 submitters); PubMed 25944497 (cited by Women's Health and Genetics/Laboratory Corporation of America, LabCorp); PubMed 18065693 (cited by Women's Health and Genetics/Laboratory Corporation of America, LabCorp); PubMed 20081061 (cited by Women's Health and Genetics/Laboratory Corporation of America, LabCorp); PubMed 25749862 (cited by Women's Health and Genetics/Laboratory Corporation of America, LabCorp); PubMed 27469266 (cited by Women's Health and Genetics/Laboratory Corporation of America, LabCorp); PubMed 19805198 (cited by Women's Health and Genetics/Laboratory Corporation of America, LabCorp); PubMed 1638023 (cited by OMIM).

NM_000419.5(ITGA2B):c.3077G>A (p.Arg1026Gln)

Gene: ITGA2B (integrin subunit alpha 2b; minus strand). Cytogenetic location: 17q21.31.
Variant type: single nucleotide variant.
Coding change: c.3077G>A on transcript NM_000419.5 (MANE Select); coding-DNA position 3077, G replaced by A.
Protein change: p.Arg1026Gln; replaces arginine 1026 with glutamine.
Molecular consequence: missense variant.
Genome position (GRCh38, 1-based): chr17:44,372,407, C>T on the plus strand (G>A on the coding strand, the complement: ITGA2B is on the minus strand). VCF-style: chr17-44372407-C-T. GRCh37 (hg19) VCF-style: chr17-42449775-C-T.
Other names: R995Q; c.3077G>A (LRG_479t1); short protein forms R1026Q.
Identifiers: ClinVar variation 50232 (VCV000050232.12), dbSNP rs879255514, ClinGen allele CA10575572.